The following is an entry in ClinVar:

NM_020921.4(NIN):c.3509T>C (p.Ile1170Thr)

Gene: NIN (ninein; minus strand). Cytogenetic location: 14q22.1.
Variant type: single nucleotide variant.
Coding change: c.3509T>C on transcript NM_020921.4 (MANE Select); coding-DNA position 3509, T replaced by C.
Protein change: p.Ile1170Thr; replaces isoleucine 1170 with threonine.
Molecular consequence: missense variant. On other transcripts: intron variant (1).
Genome position (GRCh38, 1-based): chr14:50,757,521, A>G on the plus strand (T>C on the coding strand, the complement: NIN is on the minus strand). VCF-style: chr14-50757521-A-G. GRCh37 (hg19) VCF-style: chr14-51224239-A-G.
Other names: c.3509T>C, p.Ile1170Thr (NM_182944.3, NM_182946.2); c.2399+2336T>C (NM_016350.5); short protein forms I1170T.
Identifiers: ClinVar variation 2517474 (VCV002517474.4), dbSNP rs2505821361, ClinGen allele CA389697200.

ClinVar aggregate classification (germline): Uncertain significance. Review status: criteria provided, multiple submitters, no conflicts (2 of 4 stars). 2 submissions from 2 submitters: Uncertain significance (2). Last evaluated 2024-11-15.

Allele frequency attached by ClinVar (database versions not stated): gnomAD exomes 0.00001.
gnomAD v4.1: 10 of 1,613,844 alleles (0.00062%); highest among the groups gnomAD compares: Non-Finnish European, 0.00076%; no homozygotes.

Submissions (2):

Labcorp Genetics (formerly Invitae), Labcorp
Classification: Uncertain significance. Last evaluated: 2024-11-15. Review status: criteria provided, single submitter. Criteria: Invitae Variant Classification Sherloc (09022015). Collection method: clinical testing. Allele origin: germline.
Comment: This sequence change replaces isoleucine, which is neutral and non-polar, with threonine, which is neutral and polar, at codon 1170 of the NIN protein (p.Ile1170Thr). This variant is not present in population databases (gnomAD no frequency). This variant has not been reported in the literature in individuals affected with NIN-related conditions. ClinVar contains an entry for this variant (Variation ID: 2517474). An algorithm developed to predict the effect of missense changes on protein structure and function outputs the following: PolyPhen-2: "Benign". The threonine amino acid residue is found in multiple mammalian species, which suggests that this missense change does not adversely affect protein function. In summary, the available evidence is currently insufficient to determine the role of this variant in disease. Therefore, it has been classified as a Variant of Uncertain Significance.

Ambry Genetics
Classification: Uncertain significance. Last evaluated: 2023-04-05. Review status: criteria provided, single submitter. Criteria: Ambry Variant Classification Scheme 2023. Collection method: clinical testing. Allele origin: germline.